The following is an entry in ClinVar:

ClinVar aggregate classification (germline): Uncertain significance (1 of 4 stars; one submission).

Conditions:
Nemaline myopathy 6 (NEM6). Also called: Nemaline myopathy 6, autosomal dominant. Identifiers: Orphanet 171439, MedGen C1836472, MONDO:0012237, OMIM 609273.

Submission:

Labcorp Genetics (formerly Invitae), Labcorp
Classification: Uncertain significance for Nemaline myopathy 6. Last evaluated: 2025-06-24. Review status: criteria provided, single submitter. Criteria: Invitae Variant Classification Sherloc (09022015). Collection method: clinical testing. Allele origin: germline.
Comment: This sequence change replaces alanine, which is neutral and non-polar, with glutamic acid, which is acidic and polar, at codon 92 of the KBTBD13 protein (p.Ala92Glu). The frequency data for this variant in the population databases is considered unreliable, as metrics indicate poor data quality at this position in the gnomAD database. This variant has not been reported in the literature in individuals affected with KBTBD13-related conditions. Invitae Evidence Modeling of protein sequence and biophysical properties (such as structural, functional, and spatial information, amino acid conservation, physicochemical variation, residue mobility, and thermodynamic stability) indicates that this missense variant is not expected to disrupt KBTBD13 protein function with a negative predictive value of 80%. In summary, the available evidence is currently insufficient to determine the role of this variant in disease. Therefore, it has been classified as a Variant of Uncertain Significance.

NM_001101362.3(KBTBD13):c.275C>A (p.Ala92Glu)

Gene: KBTBD13 (kelch repeat and BTB domain containing 13; plus strand). Cytogenetic location: 15q22.31.
Variant type: single nucleotide variant.
Coding change: c.275C>A on transcript NM_001101362.3 (MANE Select); coding-DNA position 275, C replaced by A.
Protein change: p.Ala92Glu; replaces alanine 92 with glutamic acid.
Molecular consequence: missense variant.
Genome position (GRCh38, 1-based): chr15:65,077,090, C>A. VCF-style: chr15-65077090-C-A. GRCh37 (hg19) VCF-style: chr15-65369428-C-A.
Other names: short protein forms A92E.
Identifiers: ClinVar variation 4709969 (VCV004709969.1).